The following is an entry in ClinVar:

ClinVar aggregate classification (germline): Uncertain significance (1 of 4 stars; one submission).

Conditions:
Hypercoagulability syndrome due to glycosylphosphatidylinositol deficiency (GPIBD1). Also called: GLYCOSYLPHOSPHATIDYLINOSITOL BIOSYNTHESIS DEFECT 1. Identifiers: Orphanet 83639, MedGen C5201145, MONDO:0012465, OMIM 610293.

Allele frequency attached by ClinVar (database versions not stated): gnomAD exomes below 0.00001.
gnomAD v4.1: 2 of 1,613,908 alleles (0.00012%); highest among the groups gnomAD compares: South Asian, 0.0011%; no homozygotes.

Submission:

Labcorp Genetics (formerly Invitae), Labcorp
Classification: Uncertain significance for Hypercoagulability syndrome due to glycosylphosphatidylinositol deficiency. Last evaluated: 2022-09-07. Review status: criteria provided, single submitter. Criteria: Invitae Variant Classification Sherloc (09022015). Collection method: clinical testing. Allele origin: germline.
Comment: This sequence change replaces serine, which is neutral and polar, with asparagine, which is neutral and polar, at codon 203 of the PIGM protein (p.Ser203Asn). This variant is present in population databases (no rsID available, gnomAD 0.003%). This variant has not been reported in the literature in individuals affected with PIGM-related conditions. Algorithms developed to predict the effect of missense changes on protein structure and function (SIFT, PolyPhen-2, Align-GVGD) all suggest that this variant is likely to be tolerated. In summary, the available evidence is currently insufficient to determine the role of this variant in disease. Therefore, it has been classified as a Variant of Uncertain Significance.

NM_145167.3(PIGM):c.608G>A (p.Ser203Asn)

Gene: PIGM (phosphatidylinositol glycan anchor biosynthesis class M; minus strand). Cytogenetic location: 1q23.2.
Variant type: single nucleotide variant.
Coding change: c.608G>A on transcript NM_145167.3 (MANE Select); coding-DNA position 608, G replaced by A.
Protein change: p.Ser203Asn; replaces serine 203 with asparagine.
Molecular consequence: missense variant.
Genome position (GRCh38, 1-based): chr1:160,031,132, C>T on the plus strand (G>A on the coding strand, the complement: PIGM is on the minus strand). VCF-style: chr1-160031132-C-T. GRCh37 (hg19) VCF-style: chr1-160000922-C-T.
Other names: short protein forms S203N.
Identifiers: ClinVar variation 1985579 (VCV001985579.4), dbSNP rs1274452253, ClinGen allele CA343241468.